The following is an entry in ClinVar:

NM_001848.3(COL6A1):c.3054C>T (p.His1018=)

Gene: COL6A1 (collagen type VI alpha 1 chain; plus strand). Cytogenetic location: 21q22.3.
Variant type: single nucleotide variant.
Coding change: c.3054C>T on transcript NM_001848.3 (MANE Select); coding-DNA position 3054, C replaced by T.
Protein change: p.His1018=; no amino-acid change (histidine 1018 retained).
Molecular consequence: synonymous variant.
Genome position (GRCh38, 1-based): chr21:46,003,980, C>T. VCF-style: chr21-46003980-C-T. GRCh37 (hg19) VCF-style: chr21-47423894-C-T.
Other names: p.His1018=.
Identifiers: ClinVar variation 128812 (VCV000128812.27), dbSNP rs141237809, ClinGen allele CA152456.

ClinVar aggregate classification (germline): Benign/Likely benign. Review status: criteria provided, multiple submitters, no conflicts (2 of 4 stars). 8 submissions from 8 submitters: Benign (6); Likely benign (2). Last evaluated 2026-01-27.

Conditions:
Collagen 6-related myopathy. Identifiers: MedGen CN117976, MONDO:0100225.
Bethlem myopathy 1A. Also called: MYOPATHY, BENIGN CONGENITAL, WITH CONTRACTURES; Bethlem myopathy 1; Bethlem Muscular Dystrophy. Identifiers: Orphanet 610, MedGen CN029274, MONDO:0024530, OMIM 158810.

Allele frequency attached by ClinVar (database versions not stated): gnomAD exomes 0.00160 and 0.00069; 1000 Genomes Project 30x 0.00547; ExAC 0.00184; 1000 Genomes Project 0.00539; ESP Exome Variant Server 0.00769; gnomAD 0.00627 and 0.00680; TOPMed 0.00697.
gnomAD v4.1: 2,013 of 1,613,150 alleles (0.12%); highest among the groups gnomAD compares: African/African-American, 2.1%; 16 homozygotes.

Submissions (8):

Labcorp Genetics (formerly Invitae), Labcorp
Classification: Benign for Bethlem myopathy 1A. Last evaluated: 2026-01-27. Review status: criteria provided, single submitter. Criteria: Invitae Variant Classification Sherloc (09022015). Collection method: clinical testing. Allele origin: germline.

Mayo Clinic Laboratories, Mayo Clinic
Classification: Benign. Last evaluated: 2025-03-05. Review status: criteria provided, single submitter. Criteria: ACMG Guidelines, 2015. Collection method: clinical testing. Allele origin: germline. Observed: 2 variant alleles.
Comment: BA1

Athena Diagnostics
Classification: Benign. Last evaluated: 2024-08-30. Review status: criteria provided, single submitter. Criteria: Athena Diagnostics Criteria. Collection method: clinical testing. Allele origin: unknown.

GeneDx
Classification: Benign. Last evaluated: 2019-06-12. Review status: criteria provided, single submitter. Criteria: GeneDx Variant Classification Process June 2021. Collection method: clinical testing. Allele origin: germline. Affected: yes.

Eurofins Ntd Llc (ga)
Classification: Benign. Last evaluated: 2018-01-25. Review status: criteria provided, single submitter. Criteria: EGL Classification Definitions 2015. Collection method: clinical testing. Allele origin: germline. Observed: 1 variant allele, 1 heterozygote.

Illumina Laboratory Services, Illumina
Classification: Benign for Collagen VI-related myopathy. Last evaluated: 2018-01-12. Review status: criteria provided, single submitter. Criteria: ICSL Variant Classification Criteria 13 December 2019. Collection method: clinical testing. Allele origin: germline.
Comment: This variant was observed in the ICSL laboratory as part of a predisposition screen in an ostensibly healthy population. It had not been previously curated by ICSL or reported in the Human Gene Mutation Database (HGMD: prior to June 1st, 2018), and was therefore a candidate for classification through an automated scoring system. Utilizing variant allele frequency, disease prevalence and penetrance estimates, and inheritance mode, an automated score was calculated to assess if this variant is too frequent to cause the disease. Based on the score and internal cut-off values, a variant classified as benign is not then subjected to further curation. The score for this variant resulted in a classification of benign for this disease.

Genetic Services Laboratory, University of Chicago
Classification: Likely benign for AllHighlyPenetrant. Last evaluated: 2013-08-26. Review status: criteria provided, single submitter. Criteria: ACMG Guidelines, 2007. Collection method: clinical testing. Allele origin: germline.

Breakthrough Genomics
Classification: Likely benign. Review status: criteria provided, single submitter. Criteria: ACMG Guidelines, 2015. Collection method: not provided. Allele origin: germline. Inheritance: Autosomal recessive inheritance. Affected: yes.